The following is an entry in ClinVar:

ClinVar aggregate classification (germline): Uncertain significance (1 of 4 stars; one submission).

Conditions:
KCNQ2-Related Disorders. Also called: KCNQ2-related disorder; KCNQ2-related condition. Identifiers: MedGen CN169299.

Submission:

3billion
Classification: Uncertain significance for KCNQ2-related disorder. Last evaluated: 2025-09-17. Review status: criteria provided, single submitter. Criteria: ACMG Guidelines, 2015. Collection method: clinical testing. Allele origin: germline. Affected: yes.
Comment: The variant is not observed in the gnomAD v4.1.0 dataset. Predicted Consequence/Location: Missense variant In silico tool predictions suggest damaging effect of the variant on gene or gene product [REVEL: 0.94 (>=0.6, sensitivity 0.68 and specificity 0.92); 3Cnet: 0.99 (> 0.75, sensitivity 0.96 and precision 0.92)]. A different missense change at the same codon (p.Tyr562Asn) has been reported to be associated with KCNQ2-related disorder (ClinVar ID: VCV002001199). However the evidence of pathogenicity is insufficient at this time. Therefore, this variant is classified as VUS according to the recommendation of ACMG/AMP guideline.

NM_172107.4(KCNQ2):c.1685A>G (p.Tyr562Cys)

Gene: KCNQ2 (potassium voltage-gated channel subfamily Q member 2; minus strand). Cytogenetic location: 20q13.33.
Variant type: single nucleotide variant.
Coding change: c.1685A>G on transcript NM_172107.4 (MANE Select); coding-DNA position 1685, A replaced by G.
Protein change: p.Tyr562Cys; replaces tyrosine 562 with cysteine.
Molecular consequence: missense variant.
Genome position (GRCh38, 1-based): chr20:63,413,528, T>C on the plus strand (A>G on the coding strand, the complement: KCNQ2 is on the minus strand). VCF-style: chr20-63413528-T-C. GRCh37 (hg19) VCF-style: chr20-62044881-T-C.
Other names: c.1631A>G, p.Tyr544Cys (NM_001382235.1, NM_172106.3); c.1628A>G, p.Tyr543Cys (NM_001439003.1); c.1598A>G, p.Tyr533Cys (NM_001439004.1); c.1601A>G, p.Tyr534Cys (NM_004518.6); c.1592A>G, p.Tyr531Cys (NM_172108.5); short protein forms Y531C, Y533C, Y534C, Y543C, Y544C, Y562C.
Identifiers: ClinVar variation 4856299 (VCV004856299.1).
Genomic context (GRCh38, chr20:63,413,528, plus strand): 5'-ATTCGGGACAGCATGTCCAGGTGGCCGGCTGAGTACTGCTCGATGACGTCCATCACGTCG[T>C]AGGGCCGCAGGCTCTCCTTGAACTTCCGCTTGGACACCAGGAACCGCATGACACTGCAGG-3'
Protein context (NP_742105.1, residues 552-572): KRKFKESLRP[Tyr562Cys]DVMDVIEQYS